The following is an entry in ClinVar:

ClinVar aggregate classification (germline): Likely benign. Review status: criteria provided, multiple submitters, no conflicts (2 of 4 stars). 2 submissions from 2 submitters: Likely benign (2). Last evaluated 2024-08-28.

Conditions:
Oligodontia-cancer predisposition syndrome. Also called: TOOTH AGENESIS-COLORECTAL CANCER SYNDROME. Identifiers: Orphanet 300576, MedGen C1837750, MONDO:0012075, OMIM 608615. Disease mechanism: loss of function.

Allele frequency attached by ClinVar (database versions not stated): TOPMed below 0.00001; gnomAD 0.00001.

Submissions (2):

Labcorp Genetics (formerly Invitae), Labcorp
Classification: Likely benign for Oligodontia-cancer predisposition syndrome. Last evaluated: 2024-08-28. Review status: criteria provided, single submitter. Criteria: Invitae Variant Classification Sherloc (09022015). Collection method: clinical testing. Allele origin: germline.

Myriad Genetics, Inc.
Classification: Likely benign for Oligodontia-cancer predisposition syndrome. Last evaluated: 2024-06-28. Review status: criteria provided, single submitter. Criteria: Myriad Autosomal Dominant, Autosomal Recessive and X-Linked Classification Criteria (2023). Collection method: clinical testing. Allele origin: unknown.
Comment: This variant is considered likely benign. This variant is intronic and is not expected to impact mRNA splicing.

NM_004655.4(AXIN2):c.957-13T>C

Gene: AXIN2 (axin 2; minus strand). Cytogenetic location: 17q24.1.
Variant type: single nucleotide variant.
Coding change: c.957-13T>C on transcript NM_004655.4 (MANE Select); 13 bases into the intron before coding-DNA position 957, T replaced by C.
Molecular consequence: intron variant.
Genome position (GRCh38, 1-based): chr17:65,541,570, A>G on the plus strand (T>C on the coding strand, the complement: AXIN2 is on the minus strand). VCF-style: chr17-65541570-A-G. GRCh37 (hg19) VCF-style: chr17-63537688-A-G.
Other names: c.957-13T>C (NM_001363813.1).
Identifiers: ClinVar variation 1591691 (VCV001591691.9), dbSNP rs895446115, ClinGen allele CA293100398.